The following is an entry in ClinVar:

ClinVar aggregate classification (germline): Conflicting classifications of pathogenicity. Review status: criteria provided, conflicting classifications (1 of 4 stars). 2 submissions from 2 submitters: Uncertain significance (1); Likely benign (1). Last evaluated 2025-11-16.

Conditions:
Autosomal dominant childhood-onset proximal spinal muscular atrophy with contractures (SMALED2A). Also called: SPINAL MUSCULAR ATROPHY, LOWER EXTREMITY-PREDOMINANT, 2A, CHILDHOOD ONSET, AUTOSOMAL DOMINANT; Spinal muscular atrophy, lower extremity-predominant, 2A, autosomal dominant. Identifiers: Orphanet 363447, Orphanet 363454, MedGen C4747715, MONDO:0014121, OMIM 615290.

Allele frequency attached by ClinVar (database versions not stated): gnomAD exomes below 0.00001.

Submissions (2):

Labcorp Genetics (formerly Invitae), Labcorp
Classification: Uncertain significance for Autosomal dominant childhood-onset proximal spinal muscular atrophy with contractures. Last evaluated: 2025-11-16. Review status: criteria provided, single submitter. Criteria: Invitae Variant Classification Sherloc (09022015). Collection method: clinical testing. Allele origin: germline.
Comment: This sequence change replaces arginine, which is basic and polar, with histidine, which is basic and polar, at codon 129 of the BICD2 protein (p.Arg129His). This variant is present in population databases (rs780485203, gnomAD 0.0009%). This variant has not been reported in the literature in individuals affected with BICD2-related conditions. ClinVar contains an entry for this variant (Variation ID: 1187715). Invitae Evidence Modeling of protein sequence and biophysical properties (such as structural, functional, and spatial information, amino acid conservation, physicochemical variation, residue mobility, and thermodynamic stability) indicates that this missense variant is not expected to disrupt BICD2 protein function with a negative predictive value of 80%. In summary, the available evidence is currently insufficient to determine the role of this variant in disease. Therefore, it has been classified as a Variant of Uncertain Significance.

GeneDx
Classification: Likely benign. Last evaluated: 2021-03-11. Review status: criteria provided, single submitter. Criteria: GeneDx Variant Classification Process June 2021. Collection method: clinical testing. Allele origin: germline. Affected: yes.

NM_001003800.2(BICD2):c.386G>A (p.Arg129His)

Gene: BICD2 (BICD cargo adaptor 2; minus strand). Cytogenetic location: 9q22.31.
Variant type: single nucleotide variant.
Coding change: c.386G>A on transcript NM_001003800.2 (MANE Select); coding-DNA position 386, G replaced by A.
Protein change: p.Arg129His; replaces arginine 129 with histidine.
Molecular consequence: missense variant.
Genome position (GRCh38, 1-based): chr9:92,729,091, C>T on the plus strand (G>A on the coding strand, the complement: BICD2 is on the minus strand). VCF-style: chr9-92729091-C-T. GRCh37 (hg19) VCF-style: chr9-95491373-C-T.
Other names: c.386G>A, p.Arg129His (NM_015250.4); short protein forms R129H.
Identifiers: ClinVar variation 1187715 (VCV001187715.7), dbSNP rs780485203, ClinGen allele CA196292575.